The following is an entry in ClinVar:

NM_174936.4(PCSK9):c.869C>A (p.Ala290Glu)

Gene: PCSK9 (proprotein convertase subtilisin/kexin type 9; plus strand). Cytogenetic location: 1p32.3.
Variant type: single nucleotide variant.
Coding change: c.869C>A on transcript NM_174936.4 (MANE Select); coding-DNA position 869, C replaced by A.
Protein change: p.Ala290Glu; replaces alanine 290 with glutamic acid.
Molecular consequence: missense variant.
Genome position (GRCh38, 1-based): chr1:55,056,062, C>A. VCF-style: chr1-55056062-C-A. GRCh37 (hg19) VCF-style: chr1-55521735-C-A.
Other names: c.992C>A, p.Ala331Glu (NM_001407240.1); c.869C>A, p.Ala290Glu (NM_001407241.1, NM_001407244.1, NM_001407247.1); c.872C>A, p.Ala291Glu (NM_001407242.1); c.812C>A, p.Ala271Glu (NM_001407243.1); c.677C>A, p.Ala226Glu (NM_001407245.1); c.494C>A, p.Ala165Glu (NM_001407246.1); short protein forms A290E, A331E, A271E, A291E, A165E, A226E.
Identifiers: ClinVar variation 963079 (VCV000963079.11), dbSNP rs1354172136, ClinGen allele CA340474545.
Genomic context (GRCh38, chr1:55,056,062, plus strand): 5'-TTATTCGGAAAAGCCAGCTGGTCCAGCCTGTGGGGCCACTGGTGGTGCTGCTGCCCCTGG[C>A]GGGTGGGTACAGCCGCGTCCTCAACGCCGCCTGCCAGCGCCTGGCGAGGGCTGGGGTCGT-3'
Protein context (NP_777596.2, residues 280-300): VGPLVVLLPL[Ala290Glu]GGYSRVLNAA

ClinVar aggregate classification (germline): Uncertain significance (1 of 4 stars; one submission).

Conditions:
Hypercholesterolemia, autosomal dominant, 3 (FHCL3). Also called: Familial hypercholesterolemia 3; Familial Hypercholesterolemia, Autosomal Dominant, 3; PCSK9-Related Familial Hypercholesterolemia, Autosomal Dominant. Identifiers: MedGen C1863551, MONDO:0011369, OMIM 603776.

Allele frequency attached by ClinVar (database versions not stated): gnomAD 0.00001; TOPMed below 0.00001.
gnomAD v4.1: 4 of 1,605,830 alleles (0.00025%); highest among the groups gnomAD compares: African/African-American, 0.0027%; no homozygotes.

Submission:

Labcorp Genetics (formerly Invitae), Labcorp
Classification: Uncertain significance for Hypercholesterolemia, autosomal dominant, 3. Last evaluated: 2019-10-29. Review status: criteria provided, single submitter. Criteria: Invitae Variant Classification Sherloc (09022015). Collection method: clinical testing. Allele origin: germline.
Comment: This sequence change replaces alanine with glutamic acid at codon 290 of the PCSK9 protein (p.Ala290Glu). The alanine residue is moderately conserved and there is a moderate physicochemical difference between alanine and glutamic acid. This variant is not present in population databases (ExAC no frequency). This variant has not been reported in the literature in individuals with PCSK9-related conditions. Algorithms developed to predict the effect of missense changes on protein structure and function are either unavailable or do not agree on the potential impact of this missense change (SIFT: "Tolerated"; PolyPhen-2: "Probably Damaging"; Align-GVGD: "Class C0"). In summary, the available evidence is currently insufficient to determine the role of this variant in disease. Therefore, it has been classified as a Variant of Uncertain Significance.